The following is an entry in ClinVar:

ClinVar aggregate classification (germline): Uncertain significance (1 of 4 stars; one submission).

Conditions:
DPAGT1-congenital disorder of glycosylation. Also called: CONGENITAL DISORDER OF GLYCOSYLATION, TYPE Ij; DPAGT1-CDG; CDG Ij. Identifiers: Orphanet 86309, MedGen C2931004, MONDO:0011964, OMIM 608093.
Congenital myasthenic syndrome 13 (CMS13). Also called: Myasthenic syndrome, congenital, with tubular aggregates 2; Myasthenic syndrome, congenital, 13, with tubular aggregates. Identifiers: Orphanet 353327, Orphanet 590, MedGen C3553645, MONDO:0013883, OMIM 614750.

Allele frequency attached by ClinVar (database versions not stated): gnomAD exomes below 0.00001; ExAC 0.00001.
gnomAD v4.1: 1 of 1,613,944 alleles (0.000062%); highest among the groups gnomAD compares: Non-Finnish European, 0.000085%; no homozygotes.

Submission:

Labcorp Genetics (formerly Invitae), Labcorp
Classification: Uncertain significance for Congenital myasthenic syndrome 13; DPAGT1-congenital disorder of glycosylation. Last evaluated: 2020-06-11. Review status: criteria provided, single submitter. Criteria: Invitae Variant Classification Sherloc (09022015). Collection method: clinical testing. Allele origin: germline.
Comment: This variant has not been reported in the literature in individuals with DPAGT1-related conditions. This variant is present in population databases (rs765676413, ExAC 0.001%). This sequence change replaces leucine with phenylalanine at codon 239 of the DPAGT1 protein (p.Leu239Phe). The leucine residue is moderately conserved and there is a small physicochemical difference between leucine and phenylalanine. Algorithms developed to predict the effect of missense changes on protein structure and function output the following: SIFT: "Tolerated"; PolyPhen-2: "Benign"; Align-GVGD: "Class C0". The phenylalanine amino acid residue is found in multiple mammalian species, suggesting that this missense change does not adversely affect protein function. These predictions have not been confirmed by published functional studies and their clinical significance is uncertain. In summary, the available evidence is currently insufficient to determine the role of this variant in disease. Therefore, it has been classified as a Variant of Uncertain Significance.

NM_001382.4(DPAGT1):c.715C>T (p.Leu239Phe)

Gene: DPAGT1 (dolichyl-phosphate N-acetylglucosaminephosphotransferase 1; minus strand). Cytogenetic location: 11q23.3.
Variant type: single nucleotide variant.
Coding change: c.715C>T on transcript NM_001382.4 (MANE Select); coding-DNA position 715, C replaced by T.
Protein change: p.Leu239Phe; replaces leucine 239 with phenylalanine.
Molecular consequence: missense variant.
Genome position (GRCh38, 1-based): chr11:119,098,416, G>A on the plus strand (C>T on the coding strand, the complement: DPAGT1 is on the minus strand). VCF-style: chr11-119098416-G-A. GRCh37 (hg19) VCF-style: chr11-118969126-G-A.
Other names: short protein forms L239F.
Identifiers: ClinVar variation 1016245 (VCV001016245.8), dbSNP rs765676413, ClinGen allele CA6314563.
Genomic context (GRCh38, chr11:119,098,416, plus strand): 5'-TTGCCATGTGTTCAGGTAGTTGTCCCCTTATCCACAGGCCTACTTACCAGTTGTGGTAGA[G>A]CAATCCCAAAGTGGTGAAAAAAAAGGGTATCATGAAGTAGAGGGAAAAGACATGATCATC-3'
Protein context (NP_001373.2, residues 229-249): IPFFFTTLGL[Leu239Phe]YHNWYPSRVF